The following is an entry in ClinVar:

NM_015335.5(MED13L):c.2399dup (p.Thr801fs)

Gene: MED13L (mediator complex subunit 13L; minus strand). Cytogenetic location: 12q24.21.
Variant type: Duplication.
Coding change: c.2399dup on transcript NM_015335.5 (MANE Select); coding-DNA position 2399, one base duplicated (T; older notation c.2399dupT).
Protein change: p.Thr801fs; shifts the reading frame from threonine 801.
Molecular consequence: frameshift variant.
Genome position (GRCh38, 1-based): chr12:116,005,939, A duplicated on the plus strand (T on the coding strand, the reverse complement: MED13L is on the minus strand). VCF-style (leftmost placement, unchanged base first): chr12-116005938-T-TA. GRCh37 (hg19) VCF-style: chr12-116443743-T-TA.
Other names: short protein forms T801fs.
Identifiers: ClinVar variation 431100 (VCV000431100.3), dbSNP rs1135401766, ClinGen allele CA645372548.

ClinVar aggregate classification (germline): Pathogenic (1 of 4 stars; one submission).

Conditions:
Cardiac anomalies - developmental delay - facial dysmorphism syndrome (MRFACD). Also called: MED13L Syndrome; Impaired intellectual development and distinctive facial features with or without cardiac defects. Identifiers: Orphanet 369891, MedGen C5192431, MONDO:0014773, OMIM 616789.

Submission:

Institute of Human Genetics, FAU Erlangen, Friedrich-Alexander-Universität Erlangen-Nürnberg
Classification: Pathogenic for Cardiac anomalies - developmental delay - facial dysmorphism syndrome. Last evaluated: 2017-08-01. Review status: criteria provided, single submitter. Criteria: ACMG Guidelines, 2015. Collection method: clinical testing. Allele origin: de novo. Inheritance: Sporadic. Affected: yes. Observed: 1 variant allele, 1 heterozygote.